The following is an entry in ClinVar:

ClinVar aggregate classification (germline): Pathogenic/Likely pathogenic. Review status: criteria provided, multiple submitters, no conflicts (2 of 4 stars). 3 submissions from 3 submitters: Pathogenic (1); Likely pathogenic (2). Last evaluated 2025-12-30.

Conditions:
Cardiovascular phenotype. Identifiers: MedGen CN230736.
Autosomal recessive limb-girdle muscular dystrophy type 2J (LGMDR10). Also called: MUSCULAR DYSTROPHY, LIMB-GIRDLE, AUTOSOMAL RECESSIVE 10; Limb-girdle muscular dystrophy, type 2J. Identifiers: Orphanet 140922, MedGen C1837342, MONDO:0012127, OMIM 608807.
Dilated cardiomyopathy 1G (CMD1G). Identifiers: Orphanet 154, MedGen C1858763, MONDO:0011400, OMIM 604145.

Submissions (3):

Ambry Genetics
Classification: Likely pathogenic for Cardiovascular phenotype. Last evaluated: 2025-12-30. Review status: criteria provided, single submitter. Criteria: Ambry Variant Classification Scheme 2023. Collection method: clinical testing. Allele origin: germline.
Comment: The c.59694delG variant, located in coding exon 154 of the TTN gene, results from a deletion of one nucleotide at nucleotide position 59694, causing a translational frameshift with a predicted alternate stop codon (p.W19898Cfs*2). This exon is located in the A-band region of the N2-B isoform of the titin protein and is constitutively expressed in TTN transcripts (percent spliced in or PSI 100%). This variant is considered to be rare based on population cohorts in the Genome Aggregation Database (gnomAD). This variant is expected to result in loss of function by premature protein truncation or nonsense-mediated mRNA decay. While truncating variants in TTN are present in 1-3% of the general population, truncating variants in the A-band are the most common cause of dilated cardiomyopathy (Herman DS et al. N. Engl. J. Med., 2012 Feb;366:619-28; Roberts AM et al. Sci Transl Med, 2015 Jan;7:270ra6). TTN truncating variants encoded in constitutive exons (PSI >90%) have been found to be significantly associated with DCM regardless of their position in titin (Schafer S et al. Nat. Genet., 2017 01;49:46-53; Akhtar MM et al. Circ Heart Fail, 2020 Oct;13:e006832; Massier M et al. Clin Genet, 2025 Jan). Based on the majority of available evidence to date, this variant is likely to be pathogenic.

Labcorp Genetics (formerly Invitae), Labcorp
Classification: Pathogenic for Dilated cardiomyopathy 1G; Autosomal recessive limb-girdle muscular dystrophy type 2J. Last evaluated: 2025-03-11. Review status: criteria provided, single submitter. Criteria: Invitae Variant Classification Sherloc (09022015). Collection method: clinical testing. Allele origin: germline.
Comment: This sequence change creates a premature translational stop signal (p.Trp28963Cysfs*2) in the TTN gene. While this is not anticipated to result in nonsense mediated decay, it is expected to create a truncated TTN protein. This variant is not present in population databases (gnomAD no frequency). This premature translational stop signal has been observed in individuals with TTN-related conditions (internal data). ClinVar contains an entry for this variant (Variation ID: 575491). This variant is located in the A band of TTN (PMID: 25589632). Truncating variants in this region are significantly overrepresented in patients affected with dilated cardiomyopathy (PMID: 25589632). Truncating variants in this region have also been reported in individuals affected with autosomal recessive centronuclear myopathy (PMID: 23975875). For these reasons, this variant has been classified as Pathogenic.

GeneDx
Classification: Likely pathogenic. Last evaluated: 2021-01-27. Review status: criteria provided, single submitter. Criteria: GeneDx Variant Classification Process June 2021. Collection method: clinical testing. Allele origin: germline. Affected: yes.
Comment: Has not been previously published as pathogenic or benign to our knowledge; Reported in ClinVar as a likely pathogenic variant (ClinVar Variant ID# 575491; Landrum et al., 2016); Not observed in large population cohorts (Lek et al., 2016); Frameshift variant predicted to result in protein truncation or nonsense mediated decay in a gene for which loss-of-function is a known mechanism of disease; Located in the A-band region of titin, where the majority of truncating pathogenic variants associated with DCM have been reported (Herman et al., 2012)

Literature cited by the submitters: PubMed 25589632 (cited by Labcorp Genetics (formerly Invitae), Labcorp); PubMed 23975875 (cited by Labcorp Genetics (formerly Invitae), Labcorp).

NM_001267550.2(TTN):c.86889del (p.Trp28963fs)

Genes: TTN (titin; minus strand), TTN-AS1 (TTN antisense RNA 1; plus strand). Cytogenetic location: 2q31.2.
Variant type: Deletion.
Coding change: c.86889del on transcript NM_001267550.2 (MANE Select); coding-DNA position 86889, one base deleted (G; older notation c.86889delG).
Protein change: p.Trp28963fs; shifts the reading frame from tryptophan 28963.
Molecular consequence: frameshift variant.
Genome position (GRCh38, 1-based): chr2:178,558,570, C deleted on the plus strand (G on the coding strand, the reverse complement: TTN is on the minus strand); the first of 2 consecutive C bases (chr2:178,558,570-178,558,571); deleting either gives the same sequence. VCF-style (leftmost placement, unchanged base first): chr2-178558569-GC-G. GRCh37 (hg19) VCF-style: chr2-179423296-GC-G.
Other names: c.81966delG (NM_001256850.1); c.86889delG (NM_001267550.2); c.81966del, p.Trp27322fs (NM_001256850.1); c.59694del, p.Trp19898fs (NM_003319.4); c.79185del, p.Trp26395fs (NM_133378.4); c.60069del, p.Trp20023fs (NM_133432.3); c.60270del, p.Trp20090fs (NM_133437.4); c.59694delG (NM_003319.4); short protein forms W19898fs, W20090fs, W26395fs, W28963fs, W20023fs, W27322fs.
Identifiers: ClinVar variation 575491 (VCV000575491.16), dbSNP rs1559268818, ClinGen allele CA891843229.